The following is an entry in ClinVar:

ClinVar aggregate classification (germline): Uncertain significance (1 of 4 stars; one submission).

gnomAD v4.1: 6 of 1,610,576 alleles (0.00037%); highest among the groups gnomAD compares: Non-Finnish European, 0.00051%; no homozygotes.

Submission:

Ambry Genetics
Classification: Uncertain significance. Last evaluated: 2025-01-09. Review status: criteria provided, single submitter. Criteria: Ambry Variant Classification Scheme 2023. Collection method: clinical testing. Allele origin: germline.
Comment: The p.S1152G variant (also known as c.3454A>G), located in coding exon 14 of the WNK2 gene, results from an A to G substitution at nucleotide position 3454. The serine at codon 1152 is replaced by glycine, an amino acid with similar properties. This amino acid position is conserved. In addition, this alteration is predicted to be tolerated by in silico analysis. Based on the available evidence, the clinical significance of this variant remains unclear.

NM_006648.4(WNK2):c.3454A>G (p.Ser1152Gly)

Gene: WNK2 (WNK lysine deficient protein kinase 2; plus strand). Cytogenetic location: 9q22.31.
Variant type: single nucleotide variant.
Coding change: c.3454A>G on transcript NM_006648.4 (MANE Select); coding-DNA position 3454, A replaced by G.
Protein change: p.Ser1152Gly; replaces serine 1152 with glycine.
Molecular consequence: missense variant.
Genome position (GRCh38, 1-based): chr9:93,263,609, A>G. VCF-style: chr9-93263609-A-G. GRCh37 (hg19) VCF-style: chr9-96025891-A-G.
Other names: c.3454A>G, p.Ser1152Gly (NM_001282394.3); short protein forms S1152G.
Identifiers: ClinVar variation 3816791 (VCV003816791.1).